The following is an entry in ClinVar:

NM_006031.6(PCNT):c.1639G>C (p.Gly547Arg)

Gene: PCNT (pericentrin; plus strand). Cytogenetic location: 21q22.3.
Variant type: single nucleotide variant.
Coding change: c.1639G>C on transcript NM_006031.6 (MANE Select); coding-DNA position 1639, G replaced by C.
Protein change: p.Gly547Arg; replaces glycine 547 with arginine.
Molecular consequence: missense variant.
Genome position (GRCh38, 1-based): chr21:46,353,286, G>C. VCF-style: chr21-46353286-G-C. GRCh37 (hg19) VCF-style: chr21-47773200-G-C.
Other names: c.1285G>C, p.Gly429Arg (NM_001315529.2); short protein forms G429R, G547R.
Identifiers: ClinVar variation 4979090 (VCV004979090.1).

ClinVar aggregate classification (germline): Uncertain significance (1 of 4 stars; one submission).

Conditions:
PCNT-related disorder. Also called: PCNT-related condition.

gnomAD v4.1: 2 of 1,614,044 alleles (0.00012%); highest among the groups gnomAD compares: Non-Finnish European, 0.00017%; no homozygotes.

Submission:

PreventionGenetics, part of Exact Sciences
Classification: Uncertain significance for PCNT-related condition. Last evaluated: 2026-07-29. Review status: criteria provided, single submitter. Criteria: ACMG Guidelines, 2015. Collection method: clinical testing. Allele origin: germline.
Comment: The PCNT c.1639G>C variant is predicted to result in the amino acid substitution p.Gly547Arg. To our knowledge, this variant has not been reported in the literature or in a large population database (gnomAD), indicating this variant is rare. At this time, the clinical significance of this variant is uncertain due to the absence of conclusive functional and genetic evidence.